The following is an entry in ClinVar:

NM_203447.4(DOCK8):c.5561C>G (p.Thr1854Ser)

Gene: DOCK8 (dedicator of cytokinesis 8; plus strand). Cytogenetic location: 9p24.3.
Variant type: single nucleotide variant.
Coding change: c.5561C>G on transcript NM_203447.4 (MANE Select); coding-DNA position 5561, C replaced by G.
Protein change: p.Thr1854Ser; replaces threonine 1854 with serine.
Molecular consequence: missense variant.
Genome position (GRCh38, 1-based): chr9:443,497, C>G. VCF-style: chr9-443497-C-G. GRCh37 (hg19) VCF-style: chr9-443497-C-G.
Other names: c.5261C>G, p.Thr1754Ser (NM_001190458.2); c.5357C>G, p.Thr1786Ser (NM_001193536.2); short protein forms T1754S, T1786S, T1854S.
Identifiers: ClinVar variation 4740626 (VCV004740626.1).
Genomic context (GRCh38, chr9:443,497, plus strand): 5'-GTCAATGTTTTGGTGCAGAATTTGTGGAAGTGATTAAAGACTCCACTCCTGTGGACAAAA[C>G]CAAGTTGGATCCTAACAAGGTATACAAAAATTTACAAAAACTAACCATCAAGCTCTAAAT-3'
Protein context (NP_982272.2, residues 1844-1864): VIKDSTPVDK[Thr1854Ser]KLDPNKAYIQ

ClinVar aggregate classification (germline): Uncertain significance (1 of 4 stars; one submission).

Conditions:
Combined immunodeficiency due to DOCK8 deficiency (HIES2). Also called: HYPER-IgE SYNDROME 2, AUTOSOMAL RECESSIVE, WITH RECURRENT INFECTIONS; DOCK8 Deficiency; HIES autosomal recessive; Hyper-IgE recurrent infection syndrome, autosomal recessive; HYPER-IgE RECURRENT INFECTION SYNDROME 2, AUTOSOMAL RECESSIVE. Identifiers: Orphanet 217390, MedGen C4722305, MONDO:0009478, OMIM 243700.

Submission:

Labcorp Genetics (formerly Invitae), Labcorp
Classification: Uncertain significance for Combined immunodeficiency due to DOCK8 deficiency. Last evaluated: 2025-03-09. Review status: criteria provided, single submitter. Criteria: Invitae Variant Classification Sherloc (09022015). Collection method: clinical testing. Allele origin: germline.
Comment: This sequence change replaces threonine, which is neutral and polar, with serine, which is neutral and polar, at codon 1854 of the DOCK8 protein (p.Thr1854Ser). This variant is not present in population databases (gnomAD no frequency). This variant has not been reported in the literature in individuals affected with DOCK8-related conditions. Invitae Evidence Modeling of protein sequence and biophysical properties (such as structural, functional, and spatial information, amino acid conservation, physicochemical variation, residue mobility, and thermodynamic stability) indicates that this missense variant is not expected to disrupt DOCK8 protein function with a negative predictive value of 80%. In summary, the available evidence is currently insufficient to determine the role of this variant in disease. Therefore, it has been classified as a Variant of Uncertain Significance.